The following is an entry in ClinVar:

ClinVar aggregate classification (germline): Pathogenic (1 of 4 stars; one submission).

Conditions:
Hemoglobinopathy. Also called: Hemoglobin disorder; Haemoglobinopathies. Identifiers: MedGen C0019045, MONDO:0044348.

Submission:

Women's Health and Genetics/Laboratory Corporation of America, LabCorp
Classification: Pathogenic for Hemoglobinopathy. Last evaluated: 2023-12-21. Review status: criteria provided, single submitter. Criteria: LabCorp Variant Classification Summary - May 2015. Collection method: clinical testing. Allele origin: germline.
Comment: Variant summary: HBB c.345_348dupGGCC (p.His117GlyfsX25) results in a premature termination codon, predicted to cause a truncation of the encoded protein or absence of the protein. Variants downstream of this position have been classified as pathogenic by our laboratory and in ClinVar. The variant was absent in 251276 control chromosomes (gnomAD). To our knowledge, no occurrence of c.345_348dupGGCC in individuals affected with Hemoglobinopathy and no experimental evidence demonstrating its impact on protein function have been reported. No submitters have cited clinical-significance assessments for this variant to ClinVar after 2014. Based on the evidence outlined above, the variant was classified as pathogenic.

NM_000518.5(HBB):c.345_348dup (p.His117fs)

Genes: HBB (hemoglobin subunit beta; minus strand), LOC107133510 (origin of replication at HBB; plus strand), LOC110006319 (beta-globin gene 3' regulatory region; plus strand). Cytogenetic location: 11p15.4.
Variant type: Duplication.
Coding change: c.345_348dup on transcript NM_000518.5 (MANE Select); coding-DNA positions 345 to 348, 4 bases duplicated (GGCC; older notation c.345_348dupGGCC).
Protein change: p.His117fs; shifts the reading frame from histidine 117.
Molecular consequence: frameshift variant.
Genome position (GRCh38, 1-based): chr11:5,225,694-5,225,697, GGCC duplicated on the plus strand (GGCC on the coding strand, the reverse complement: HBB is on the minus strand). VCF-style (leftmost placement, unchanged base first): chr11-5225693-G-GGGCC. GRCh37 (hg19) VCF-style: chr11-5246923-G-GGGCC.
Other names: c.345_348dupGGCC (NM_000518.5); short protein forms H117fs.
Identifiers: ClinVar variation 2691364 (VCV002691364.1), dbSNP rs2494292407, ClinGen allele CA2697548368.